The following is an entry in ClinVar:

ClinVar aggregate classification (germline): Uncertain significance (1 of 4 stars; one submission).

Conditions:
46,XY sex reversal 9 (SRXY9). Also called: 46,XY SEX REVERSAL, ZFPM2-RELATED. Identifiers: Orphanet 251510, MedGen C4015129, MONDO:0014480, OMIM 616067.

gnomAD v4.1: 2 of 1,611,732 alleles (0.00012%); highest among the groups gnomAD compares: East Asian, 0.0022%; no homozygotes.

Submission:

Labcorp Genetics (formerly Invitae), Labcorp
Classification: Uncertain significance for 46,XY sex reversal 9. Last evaluated: 2024-07-02. Review status: criteria provided, single submitter. Criteria: Invitae Variant Classification Sherloc (09022015). Collection method: clinical testing. Allele origin: germline.
Comment: This sequence change replaces threonine, which is neutral and polar, with serine, which is neutral and polar, at codon 817 of the ZFPM2 protein (p.Thr817Ser). This variant is not present in population databases (gnomAD no frequency). This variant has not been reported in the literature in individuals affected with ZFPM2-related conditions. Algorithms developed to predict the effect of missense changes on protein structure and function output the following: SIFT: "Not Available"; PolyPhen-2: "Benign"; Align-GVGD: "Not Available". The serine amino acid residue is found in multiple mammalian species, which suggests that this missense change does not adversely affect protein function. In summary, the available evidence is currently insufficient to determine the role of this variant in disease. Therefore, it has been classified as a Variant of Uncertain Significance.

NM_012082.4(ZFPM2):c.2449A>T (p.Thr817Ser)

Genes: ZFPM2 (zinc finger protein, FOG family member 2; plus strand), ZFPM2-AS1 (ZFPM2 antisense RNA 1; minus strand), LOC126860469 (BRD4-independent group 4 enhancer GRCh37_chr8:106814445-106815644; plus strand). Cytogenetic location: 8q23.1.
Variant type: single nucleotide variant.
Coding change: c.2449A>T on transcript NM_012082.4 (MANE Select); coding-DNA position 2449, A replaced by T.
Protein change: p.Thr817Ser; replaces threonine 817 with serine.
Molecular consequence: missense variant.
Genome position (GRCh38, 1-based): chr8:105,802,531, A>T. VCF-style: chr8-105802531-A-T. GRCh37 (hg19) VCF-style: chr8-106814759-A-T.
Other names: c.2290A>T, p.Thr764Ser (NM_001362836.2); c.2053A>T, p.Thr685Ser (NM_001362837.2); short protein forms T764S, T685S, T817S.
Identifiers: ClinVar variation 3699976 (VCV003699976.2).